The following is an entry in ClinVar:

NM_033026.6(PCLO):c.4327C>T (p.Pro1443Ser)

Gene: PCLO (piccolo presynaptic cytomatrix protein; minus strand). Cytogenetic location: 7q21.11.
Variant type: single nucleotide variant.
Coding change: c.4327C>T on transcript NM_033026.6 (MANE Select); coding-DNA position 4327, C replaced by T.
Protein change: p.Pro1443Ser; replaces proline 1443 with serine.
Molecular consequence: missense variant.
Genome position (GRCh38, 1-based): chr7:82,956,626, G>A on the plus strand (C>T on the coding strand, the complement: PCLO is on the minus strand). VCF-style: chr7-82956626-G-A. GRCh37 (hg19) VCF-style: chr7-82585942-G-A.
Other names: c.4327C>T (NM_033026.5); c.4327C>T, p.Pro1443Ser (NM_014510.3); short protein forms P1443S.
Identifiers: ClinVar variation 1516794 (VCV001516794.5), dbSNP rs776267201, ClinGen allele CA4320848.

ClinVar aggregate classification (germline): Uncertain significance. Review status: criteria provided, multiple submitters, no conflicts (2 of 4 stars). 2 submissions from 2 submitters: Uncertain significance (2). Last evaluated 2025-03-17.

Allele frequency attached by ClinVar (database versions not stated): gnomAD 0.00002; gnomAD exomes 0.00002; ExAC 0.00005.
gnomAD v4.1: 31 of 1,613,694 alleles (0.0019%); highest among the groups gnomAD compares: Non-Finnish European, 0.0026%; no homozygotes.

Submissions (2):

Labcorp Genetics (formerly Invitae), Labcorp
Classification: Uncertain significance. Last evaluated: 2025-03-17. Review status: criteria provided, single submitter. Criteria: Invitae Variant Classification Sherloc (09022015). Collection method: clinical testing. Allele origin: germline.
Comment: This sequence change replaces proline, which is neutral and non-polar, with serine, which is neutral and polar, at codon 1443 of the PCLO protein (p.Pro1443Ser). This variant is present in population databases (rs776267201, gnomAD 0.006%). This variant has not been reported in the literature in individuals affected with PCLO-related conditions. ClinVar contains an entry for this variant (Variation ID: 1516794). An algorithm developed to predict the effect of missense changes on protein structure and function outputs the following: PolyPhen-2: "Not Available". The serine amino acid residue is found in multiple mammalian species, which suggests that this missense change does not adversely affect protein function. In summary, the available evidence is currently insufficient to determine the role of this variant in disease. Therefore, it has been classified as a Variant of Uncertain Significance.

GeneDx
Classification: Uncertain significance. Last evaluated: 2023-05-09. Review status: criteria provided, single submitter. Criteria: GeneDx Variant Classification Process June 2021. Collection method: clinical testing. Allele origin: germline. Affected: yes.
Comment: In silico analysis supports that this missense variant does not alter protein structure/function; Has not been previously published as pathogenic or benign to our knowledge; Variants in candidate genes are classified as variants of uncertain significance in accordance with ACMG guidelines (Richards et al., 2015)